The following is an entry in ClinVar:

NM_001252024.2(TRPM1):c.2488C>T (p.His830Tyr)

Gene: TRPM1 (transient receptor potential cation channel subfamily M member 1; minus strand). Cytogenetic location: 15q13.3.
Variant type: single nucleotide variant.
Coding change: c.2488C>T on transcript NM_001252024.2 (MANE Select); coding-DNA position 2488, C replaced by T.
Protein change: p.His830Tyr; replaces histidine 830 with tyrosine.
Molecular consequence: missense variant.
Genome position (GRCh38, 1-based): chr15:31,037,794, G>A on the plus strand (C>T on the coding strand, the complement: TRPM1 is on the minus strand). VCF-style: chr15-31037794-G-A. GRCh37 (hg19) VCF-style: chr15-31329997-G-A.
Other names: c.2539C>T, p.His847Tyr (NM_001252020.2); c.2422C>T, p.His808Tyr (NM_002420.6); short protein forms H808Y, H830Y, H847Y.
Identifiers: ClinVar variation 1056588 (VCV001056588.8), dbSNP rs2033461781, ClinGen allele CA391547103.

ClinVar aggregate classification (germline): Uncertain significance (1 of 4 stars; one submission).

Allele frequency attached by ClinVar (database versions not stated): gnomAD exomes below 0.00001; TOPMed below 0.00001.
gnomAD v4.1: 2 of 1,614,098 alleles (0.00012%); highest among the groups gnomAD compares: Non-Finnish European, 0.00017%; no homozygotes.

Submission:

Labcorp Genetics (formerly Invitae), Labcorp
Classification: Uncertain significance. Last evaluated: 2020-06-27. Review status: criteria provided, single submitter. Criteria: Invitae Variant Classification Sherloc (09022015). Collection method: clinical testing. Allele origin: germline.
Comment: This sequence change replaces histidine with tyrosine at codon 808 of the TRPM1 protein (p.His808Tyr). The histidine residue is moderately conserved and there is a moderate physicochemical difference between histidine and tyrosine. In summary, the available evidence is currently insufficient to determine the role of this variant in disease. Therefore, it has been classified as a Variant of Uncertain Significance. Algorithms developed to predict the effect of missense changes on protein structure and function (SIFT, PolyPhen-2, Align-GVGD) all suggest that this variant is likely to be tolerated, but these predictions have not been confirmed by published functional studies and their clinical significance is uncertain. This variant has not been reported in the literature in individuals with TRPM1-related conditions. This variant is not present in population databases (ExAC no frequency).